The following is an entry in ClinVar:

NM_015295.3(SMCHD1):c.3856T>C (p.Cys1286Arg)

Gene: SMCHD1 (structural maintenance of chromosomes flexible hinge domain containing 1; plus strand). Cytogenetic location: 18p11.32.
Variant type: single nucleotide variant.
Coding change: c.3856T>C on transcript NM_015295.3 (MANE Select); coding-DNA position 3856, T replaced by C.
Protein change: p.Cys1286Arg; replaces cysteine 1286 with arginine.
Molecular consequence: missense variant.
Genome position (GRCh38, 1-based): chr18:2,747,576, T>C. VCF-style: chr18-2747576-T-C. GRCh37 (hg19) VCF-style: chr18-2747574-T-C.
Other names: short protein forms C1286R.
Identifiers: ClinVar variation 2789435 (VCV002789435.3), dbSNP rs2510116093, ClinGen allele CA401690717.

ClinVar aggregate classification (germline): Uncertain significance (1 of 4 stars; one submission).

Conditions:
Facioscapulohumeral muscular dystrophy 2 (FSHD2). Also called: MUSCULAR DYSTROPHY, FACIOSCAPULOHUMERAL, TYPE 1B; FACIOSCAPULOHUMERAL MUSCULAR DYSTROPHY 2, DIGENIC; FSHD2, DIGENIC. Identifiers: Orphanet 269, MedGen C1834671, MONDO:0008031, OMIM 158901.

Allele frequency attached by ClinVar (database versions not stated): gnomAD exomes below 0.00001.
gnomAD v4.1: 1 of 1,609,982 alleles (0.000062%); highest among the groups gnomAD compares: Non-Finnish European, 0.000085%; no homozygotes.

Submission:

Labcorp Genetics (formerly Invitae), Labcorp
Classification: Uncertain significance for Facioscapulohumeral muscular dystrophy 2. Last evaluated: 2023-11-08. Review status: criteria provided, single submitter. Criteria: Invitae Variant Classification Sherloc (09022015). Collection method: clinical testing. Allele origin: germline.
Comment: This sequence change replaces cysteine, which is neutral and slightly polar, with arginine, which is basic and polar, at codon 1286 of the SMCHD1 protein (p.Cys1286Arg). This variant is not present in population databases (gnomAD no frequency). This variant has not been reported in the literature in individuals affected with SMCHD1-related conditions. Advanced modeling of protein sequence and biophysical properties (such as structural, functional, and spatial information, amino acid conservation, physicochemical variation, residue mobility, and thermodynamic stability) has been performed at Invitae for this missense variant, however the output from this modeling did not meet the statistical confidence thresholds required to predict the impact of this variant on SMCHD1 protein function. In summary, the available evidence is currently insufficient to determine the role of this variant in disease. Therefore, it has been classified as a Variant of Uncertain Significance.